The following is an entry in ClinVar:

ClinVar aggregate classification (germline): Uncertain significance. Review status: criteria provided, multiple submitters, no conflicts (2 of 4 stars). 2 submissions from 2 submitters: Uncertain significance (2). Last evaluated 2023-10-02.

Allele frequency attached by ClinVar (database versions not stated): gnomAD exomes 0.00001; TOPMed 0.00001; gnomAD 0.00002.
gnomAD v4.1: 23 of 1,614,062 alleles (0.0014%); highest among the groups gnomAD compares: Non-Finnish European, 0.0018%; no homozygotes.

Submissions (2):

Blueprint Genetics
Classification: Uncertain significance. Last evaluated: 2023-10-02. Review status: criteria provided, single submitter. Criteria: ACMG Guidelines, 2015. Collection method: clinical testing. Allele origin: germline.

Labcorp Genetics (formerly Invitae), Labcorp
Classification: Uncertain significance. Last evaluated: 2022-07-18. Review status: criteria provided, single submitter. Criteria: Invitae Variant Classification Sherloc (09022015). Collection method: clinical testing. Allele origin: germline.
Comment: This sequence change replaces threonine, which is neutral and polar, with isoleucine, which is neutral and non-polar, at codon 490 of the IMPG2 protein (p.Thr490Ile). In summary, the available evidence is currently insufficient to determine the role of this variant in disease. Therefore, it has been classified as a Variant of Uncertain Significance. Algorithms developed to predict the effect of missense changes on protein structure and function are either unavailable or do not agree on the potential impact of this missense change (SIFT: "Tolerated"; PolyPhen-2: "Possibly Damaging"; Align-GVGD: "Class C0"). ClinVar contains an entry for this variant (Variation ID: 1433307). This variant has not been reported in the literature in individuals affected with IMPG2-related conditions. The frequency data for this variant in the population databases is considered unreliable, as metrics indicate poor data quality at this position in the gnomAD database.

NM_016247.4(IMPG2):c.1469C>T (p.Thr490Ile)

Gene: IMPG2 (interphotoreceptor matrix proteoglycan 2; minus strand). Cytogenetic location: 3q12.3.
Variant type: single nucleotide variant.
Coding change: c.1469C>T on transcript NM_016247.4 (MANE Select); coding-DNA position 1469, C replaced by T.
Protein change: p.Thr490Ile; replaces threonine 490 with isoleucine.
Molecular consequence: missense variant.
Genome position (GRCh38, 1-based): chr3:101,245,876, G>A on the plus strand (C>T on the coding strand, the complement: IMPG2 is on the minus strand). VCF-style: chr3-101245876-G-A. GRCh37 (hg19) VCF-style: chr3-100964720-G-A.
Other names: short protein forms T490I.
Identifiers: ClinVar variation 1433307 (VCV001433307.7), dbSNP rs1352644806, ClinGen allele CA353862291.